The following is an entry in ClinVar:

ClinVar aggregate classification (germline): Benign (1 of 4 stars; one submission).

Allele frequency attached by ClinVar (database versions not stated): 1000 Genomes Project 0.56909; gnomAD 0.57043 and 0.57361; 1000 Genomes Project 30x 0.57105; TOPMed 0.57128.
gnomAD v4.1: 86,553 of 151,940 alleles (57%); highest among the groups gnomAD compares: African/African-American, 72%; 25,454 homozygotes.

Submission:

GeneDx
Classification: Benign. Last evaluated: 2018-06-18. Review status: criteria provided, single submitter. Criteria: GeneDx Variant Classification (06012015). Collection method: clinical testing. Allele origin: germline. Affected: yes.
Comment: This variant is considered likely benign or benign based on one or more of the following criteria: it is a conservative change, it occurs at a poorly conserved position in the protein, it is predicted to be benign by multiple in silico algorithms, and/or has population frequency not consistent with disease.

NM_001035.3(RYR2):c.14809-181A>G

Gene: RYR2 (ryanodine receptor 2; plus strand). Cytogenetic location: 1q43.
Variant type: single nucleotide variant.
Coding change: c.14809-181A>G on transcript NM_001035.3 (MANE Select); 181 bases into the intron before coding-DNA position 14809, A replaced by G.
Molecular consequence: intron variant.
Genome position (GRCh38, 1-based): chr1:237,832,371, A>G. VCF-style: chr1-237832371-A-G. GRCh37 (hg19) VCF-style: chr1-237995671-A-G.
Identifiers: ClinVar variation 672106 (VCV000672106.1), dbSNP rs12025731, ClinGen allele CA10861643.
Genomic context (GRCh38, chr1:237,832,371, plus strand): 5'-CAAAATGCTGGGATTATAGGCTTGAGCCAGTGTGCCCAGCCAACATATTTTTATCATTAT[A>G]ATGGTCAGGATGAAGATTATTATGAGACGTTAAGGTCTGGTATAGTTAGTTAGGAACCAT-3'